The following is an entry in ClinVar:

ClinVar aggregate classification (germline): Pathogenic (1 of 4 stars; one submission).

Submission:

Dasa
Classification: Pathogenic. Last evaluated: 2024-07-31. Review status: criteria provided, single submitter. Criteria: DASA Assertion Criteria. Collection method: clinical testing. Allele origin: germline.
Comment: NM_006204.4(PDE6C):c.2428del (p.Val810*) introduces a premature termination codon predicted to result in loss of normal protein function. Loss-of-function is an established mechanism of disease for this gene. Based on the available data, this variant is classified as pathogenic.

NM_006204.4(PDE6C):c.2428del (p.Arg809_Val810insTer)

Gene: PDE6C (phosphodiesterase 6C; plus strand). Cytogenetic location: 10q23.33.
Variant type: Deletion.
Coding change: c.2428del on transcript NM_006204.4 (MANE Select); coding-DNA position 2428, one base deleted (G; older notation c.2428delG).
Protein change: p.Arg809_Val810insTer.
Molecular consequence: nonsense.
Genome position (GRCh38, 1-based): chr10:93,663,088, G deleted. VCF-style (leftmost placement, unchanged base first): chr10-93663087-AG-A. GRCh37 (hg19) VCF-style: chr10-95422844-AG-A.
Identifiers: ClinVar variation 4852011 (VCV004852011.1).